The following is an entry in ClinVar:

NM_003590.5(CUL3):c.1581A>T (p.Ala527=)

Gene: CUL3 (cullin 3; minus strand). Cytogenetic location: 2q36.2.
Variant type: single nucleotide variant.
Coding change: c.1581A>T on transcript NM_003590.5 (MANE Select); coding-DNA position 1581, A replaced by T.
Protein change: p.Ala527=; no amino-acid change (alanine 527 retained).
Molecular consequence: synonymous variant.
Genome position (GRCh38, 1-based): chr2:224,500,392, T>A on the plus strand (A>T on the coding strand, the complement: CUL3 is on the minus strand). VCF-style: chr2-224500392-T-A. GRCh37 (hg19) VCF-style: chr2-225365109-T-A.
Other names: p.Ala527=; c.1383A>T, p.Ala461= (NM_001257197.2); c.1599A>T, p.Ala533= (NM_001257198.2).
Identifiers: ClinVar variation 334630 (VCV000334630.16), dbSNP rs41373148, ClinGen allele CA2139946.

ClinVar aggregate classification (germline): Benign/Likely benign. Review status: criteria provided, multiple submitters, no conflicts (2 of 4 stars). 5 submissions from 5 submitters: Benign (3); Likely benign (2). Last evaluated 2026-02-01.

Conditions:
Pseudohypoaldosteronism type 2E (PHA2E). Also called: Pseudohypoaldosteronism Type IIE. Identifiers: Orphanet 300530, Orphanet 757, MedGen C3469606, MONDO:0013782, OMIM 614496.
Neurodevelopmental disorder with or without autism or seizures (NEDAUS). Identifiers: MedGen C5543225, MONDO:0030994, OMIM 619239.

Allele frequency attached by ClinVar (database versions not stated): 1000 Genomes Project 0.00539; 1000 Genomes Project 30x 0.00547; TOPMed 0.01010; ESP Exome Variant Server 0.01322; ExAC 0.01426; gnomAD 0.01442 and 0.01485; gnomAD exomes 0.01469 and 0.01778.
gnomAD v4.1: 27,871 of 1,614,008 alleles (1.7%); highest among the groups gnomAD compares: Non-Finnish European, 2%; 342 homozygotes.

Submissions (5):

Labcorp Genetics (formerly Invitae), Labcorp
Classification: Benign. Last evaluated: 2026-02-01. Review status: criteria provided, single submitter. Criteria: Invitae Variant Classification Sherloc (09022015). Collection method: clinical testing. Allele origin: germline.

Blueprint Genetics
Classification: Likely benign. Last evaluated: 2024-11-26. Review status: criteria provided, single submitter. Criteria: ACMG Guidelines, 2015. Collection method: clinical testing. Allele origin: germline.

Mayo Clinic Laboratories, Mayo Clinic
Classification: Benign. Last evaluated: 2023-01-23. Review status: criteria provided, single submitter. Criteria: ACMG Guidelines, 2015. Collection method: clinical testing. Allele origin: germline. Observed: 4 variant alleles.
Comment: BS1, BS2

Fulgent Genetics
Classification: Likely benign for Pseudohypoaldosteronism type 2E; Neurodevelopmental disorder with or without autism or seizures. Last evaluated: 2022-01-11. Review status: criteria provided, single submitter. Criteria: ACMG Guidelines, 2015. Collection method: clinical testing. Allele origin: unknown.

Illumina Laboratory Services, Illumina
Classification: Benign for Pseudohypoaldosteronism type 2E. Last evaluated: 2018-01-12. Review status: criteria provided, single submitter. Criteria: ICSL Variant Classification Criteria 13 December 2019. Collection method: clinical testing. Allele origin: germline.
Comment: This variant was observed in the ICSL laboratory as part of a predisposition screen in an ostensibly healthy population. It had not been previously curated by ICSL or reported in the Human Gene Mutation Database (HGMD: prior to June 1st, 2018), and was therefore a candidate for classification through an automated scoring system. Utilizing variant allele frequency, disease prevalence and penetrance estimates, and inheritance mode, an automated score was calculated to assess if this variant is too frequent to cause the disease. Based on the score and internal cut-off values, a variant classified as benign is not then subjected to further curation. The score for this variant resulted in a classification of benign for this disease.